The following is an entry in ClinVar:

ClinVar aggregate classification (germline): Uncertain significance (1 of 4 stars; one submission).

Conditions:
Long QT syndrome (LQTS). Identifiers: MedGen C0023976, MeSH D008133, MONDO:0002442. Disease mechanism: loss of function. Inheritance: Various modes of inheritance.

Submission:

Labcorp Genetics (formerly Invitae), Labcorp
Classification: Uncertain significance for Long QT syndrome. Last evaluated: 2025-06-11. Review status: criteria provided, single submitter. Criteria: Invitae Variant Classification Sherloc (09022015). Collection method: clinical testing. Allele origin: germline.
Comment: This sequence change replaces aspartic acid, which is acidic and polar, with asparagine, which is neutral and polar, at codon 219 of the KCNH2 protein (p.Asp219Asn). This variant is not present in population databases (gnomAD no frequency). This variant has not been reported in the literature in individuals affected with KCNH2-related conditions. ClinVar contains an entry for this variant (Variation ID: 663570). An algorithm developed to predict the effect of missense changes on protein structure and function (PolyPhen-2) suggests that this variant is likely to be tolerated. In summary, the available evidence is currently insufficient to determine the role of this variant in disease. Therefore, it has been classified as a Variant of Uncertain Significance.

NM_000238.4(KCNH2):c.655G>A (p.Asp219Asn)

Gene: KCNH2 (potassium voltage-gated channel subfamily H member 2; minus strand). Cytogenetic location: 7q36.1.
Variant type: single nucleotide variant.
Coding change: c.655G>A on transcript NM_000238.4 (MANE Select); coding-DNA position 655, G replaced by A.
Protein change: p.Asp219Asn; replaces aspartic acid 219 with asparagine.
Molecular consequence: missense variant.
Genome position (GRCh38, 1-based): chr7:150,958,320, C>T on the plus strand (G>A on the coding strand, the complement: KCNH2 is on the minus strand). VCF-style: chr7-150958320-C-T. GRCh37 (hg19) VCF-style: chr7-150655408-C-T.
Other names: c.367G>A, p.Asp123Asn (NM_001406753.1, NM_001406756.1); c.478G>A, p.Asp160Asn (NM_001406755.1); c.355G>A, p.Asp119Asn (NM_001406757.1); c.655G>A, p.Asp219Asn (NM_172056.3); short protein forms D219N, D119N, D160N, D123N.
Identifiers: ClinVar variation 663570 (VCV000663570.6), dbSNP rs1584865954, ClinGen allele CA369862954.